The following is an entry in ClinVar:

NM_000038.6(APC):c.7355T>G (p.Leu2452Ter)

Gene: APC (APC regulator of Wnt signaling pathway; plus strand). Cytogenetic location: 5q22.2.
Variant type: single nucleotide variant.
Coding change: c.7355T>G on transcript NM_000038.6 (MANE Select); coding-DNA position 7355, T replaced by G.
Protein change: p.Leu2452Ter; replaces leucine 2452 with a stop codon.
Molecular consequence: nonsense. On other transcripts: non-coding transcript variant (2).
Genome position (GRCh38, 1-based): chr5:112,842,949, T>G. VCF-style: chr5-112842949-T-G. GRCh37 (hg19) VCF-style: chr5-112178646-T-G.
Other names: c.7355T>G, p.Leu2452Ter (NM_001127510.3, NM_001354895.2, NM_001407450.1); c.7301T>G, p.Leu2434Ter (NM_001127511.3); c.7409T>G, p.Leu2470Ter (NM_001354896.2, NM_001407447.1, NM_001407448.1 and 1 more transcripts); c.7385T>G, p.Leu2462Ter (NM_001354897.2); c.7280T>G, p.Leu2427Ter (NM_001354898.2); c.7271T>G, p.Leu2424Ter (NM_001354899.2); c.7232T>G, p.Leu2411Ter (NM_001354900.2); c.7178T>G, p.Leu2393Ter (NM_001354901.2, NM_001407453.1); and 11 more; short protein forms L2068*, L2169*, L2292*, L2323*, L2326*, L2351*, L2361*, L2369*.
Identifiers: ClinVar variation 2583188 (VCV002583188.1), dbSNP rs2533786957, ClinGen allele CA16037349.

ClinVar aggregate classification (germline): Pathogenic (1 of 4 stars; one submission).

Conditions:
Familial adenomatous polyposis 1 (FAP1). Also called: POLYPOSIS, ADENOMATOUS INTESTINAL; FAMILIAL ADENOMATOUS POLYPOSIS 1, ATTENUATED. Identifiers: MedGen C2713442, MONDO:0021056, OMIM 175100. Disease mechanism: loss of function.

Submission:

Myriad Genetics, Inc.
Classification: Pathogenic for Familial adenomatous polyposis 1. Last evaluated: 2023-05-16. Review status: criteria provided, single submitter. Criteria: Myriad Autosomal Dominant, Autosomal Recessive and X-Linked Classification Criteria (2023). Collection method: clinical testing. Allele origin: unknown.
Comment: This variant is considered pathogenic. This variant creates a termination codon and is predicted to result in premature protein truncation.